The following is an entry in ClinVar:

NM_001370259.2(MEN1):c.1401C>G (p.Ala467=)

Gene: MEN1 (menin 1; minus strand). Cytogenetic location: 11q13.1.
Variant type: single nucleotide variant.
Coding change: c.1401C>G on transcript NM_001370259.2 (MANE Select); coding-DNA position 1401, C replaced by G.
Protein change: p.Ala467=; no amino-acid change (alanine 467 retained).
Molecular consequence: synonymous variant. On other transcripts: non-coding transcript variant (4).
Genome position (GRCh38, 1-based): chr11:64,804,766, G>C on the plus strand (C>G on the coding strand, the complement: MEN1 is on the minus strand). VCF-style: chr11-64804766-G-C. GRCh37 (hg19) VCF-style: chr11-64572238-G-C.
Other names: c.1416C>G, p.Ala472= (NM_001407145.1, NM_130800.3, NM_130801.3 and 4 more transcripts); c.1401C>G, p.Ala467= (NM_001407146.1, NM_001407147.1, NM_130799.3 and 2 more transcripts); c.1296C>G, p.Ala432= (NM_001407148.1, NM_001407149.1, NM_001370262.2 and 1 more transcripts); c.1542C>G, p.Ala514= (NM_001407150.1); c.1422C>G, p.Ala474= (NM_001407151.1); c.1236C>G, p.Ala412= (NM_001407152.1); c.1527C>G, p.Ala509= (NM_001370251.2, NM_001407142.1, NM_001407143.1 and 1 more transcripts).
Identifiers: ClinVar variation 2560722 (VCV002560722.30), dbSNP rs878855190, ClinGen allele CA475163492.

ClinVar aggregate classification (germline): Benign/Likely benign. Review status: criteria provided, multiple submitters, no conflicts (2 of 4 stars). 6 submissions from 6 submitters: Benign (1); Likely benign (5). Last evaluated 2025-04-01.

Conditions:
Multiple endocrine neoplasia, type 1 (MEN1). Also called: MEN I; WERMER SYNDROME; Endocrine adenomatosis multiple; MEN 1; MEA I. Identifiers: Orphanet 652, MedGen C0025267, MeSH D018761, MONDO:0007540, OMIM 131100.
Hereditary cancer-predisposing syndrome. Also called: Neoplastic Syndromes, Hereditary; Tumor predisposition; Hereditary Cancer Syndrome; Hereditary neoplastic syndrome. Identifiers: Orphanet 140162, MedGen C0027672, MeSH D009386, MONDO:0015356.

Submissions (6):

Labcorp Genetics (formerly Invitae), Labcorp
Classification: Likely benign for Multiple endocrine neoplasia, type 1. Last evaluated: 2025-04-01. Review status: criteria provided, single submitter. Criteria: Invitae Variant Classification Sherloc (09022015). Collection method: clinical testing. Allele origin: germline.

Myriad Genetics, Inc.
Classification: Benign for Multiple endocrine neoplasia, type 1. Last evaluated: 2024-11-05. Review status: criteria provided, single submitter. Criteria: Myriad Autosomal Dominant, Autosomal Recessive and X-Linked Classification Criteria (2023). Collection method: clinical testing. Allele origin: unknown.
Comment: This variant is considered benign. This variant is a silent/synonymous amino acid change and it is not expected to impact splicing.

Color Diagnostics, LLC DBA Color Health
Classification: Likely benign for Multiple endocrine neoplasia, type 1. Last evaluated: 2024-01-14. Review status: criteria provided, single submitter. Criteria: ACMG Guidelines, 2015. Collection method: clinical testing. Allele origin: germline.

CeGaT Center for Human Genetics Tuebingen
Classification: Likely benign. Last evaluated: 2023-11-01. Review status: criteria provided, single submitter. Criteria: CeGaT Center For Human Genetics Tuebingen Variant Classification Criteria Version 2. Collection method: clinical testing. Allele origin: germline. Affected: yes. Observed: 1 variant allele.
Comment: MEN1: PM2:Supporting, BP4, BP7

Blueprint Genetics
Classification: Likely benign. Last evaluated: 2023-09-01. Review status: criteria provided, single submitter. Criteria: ACMG Guidelines, 2015. Collection method: clinical testing. Allele origin: germline.

Ambry Genetics
Classification: Likely benign for Hereditary cancer-predisposing syndrome. Last evaluated: 2023-05-19. Review status: criteria provided, single submitter. Criteria: Ambry Variant Classification Scheme 2023. Collection method: clinical testing. Allele origin: germline.